The following is an entry in ClinVar:

NM_016203.4(PRKAG2):c.274C>A (p.Pro92Thr)

Gene: PRKAG2 (protein kinase AMP-activated non-catalytic subunit gamma 2; minus strand). Cytogenetic location: 7q36.1.
Variant type: single nucleotide variant.
Coding change: c.274C>A on transcript NM_016203.4 (MANE Select); coding-DNA position 274, C replaced by A.
Protein change: p.Pro92Thr; replaces proline 92 with threonine.
Molecular consequence: missense variant.
Genome position (GRCh38, 1-based): chr7:151,781,344, G>T on the plus strand (C>A on the coding strand, the complement: PRKAG2 is on the minus strand). VCF-style: chr7-151781344-G-T. GRCh37 (hg19) VCF-style: chr7-151478430-G-T.
Other names: c.142C>A, p.Pro48Thr (NM_001040633.2); short protein forms P92T, P48T.
Identifiers: ClinVar variation 634611 (VCV000634611.10), dbSNP rs1170556084, ClinGen allele CA370069775.

ClinVar aggregate classification (germline): Uncertain significance. Review status: criteria provided, multiple submitters, no conflicts (2 of 4 stars). 3 submissions from 3 submitters: Uncertain significance (3). Last evaluated 2023-12-04.

Conditions:
Cardiomyopathy (CMYO). Also called: Cardiomyopathies. Identifiers: Orphanet 167848, MedGen C0878544, MONDO:0004994, HP:0001638. Inheritance: Various modes of inheritance.
Lethal congenital glycogen storage disease of heart. Also called: PHOSPHORYLASE KINASE DEFICIENCY OF HEART; GLYCOGEN STORAGE DISEASE OF HEART. Identifiers: Orphanet 439854, MedGen C1849813, MONDO:0009867, OMIM 261740.
Hypertrophic cardiomyopathy 6. Identifiers: MedGen C1833236, MONDO:0010946, OMIM 600858.
Wolff-Parkinson-White pattern. Also called: Auriculoventricular accessory pathway syndrome; False bundle branch block syndrome; Anomalous ventricular excitation syndrome; WPW SYNDROME. Identifiers: MedGen C0043202, MONDO:0008685, OMIM 194200, HP:0001716.

Allele frequency attached by ClinVar (database versions not stated): gnomAD exomes below 0.00001 and 0.00001; TOPMed below 0.00001.
gnomAD v4.1: 2 of 1,613,862 alleles (0.00012%); highest among the groups gnomAD compares: South Asian, 0.0022%; no homozygotes.

Submissions (3):

Color Diagnostics, LLC DBA Color Health
Classification: Uncertain significance for Cardiomyopathy. Last evaluated: 2023-12-04. Review status: criteria provided, single submitter. Criteria: ACMG Guidelines, 2015. Collection method: clinical testing. Allele origin: germline.
Comment: Variant of Uncertain Significance due to insufficient evidence: This missense variant replaces proline with threonine at codon 92 of the PRKAG2 protein. Computational prediction tools and conservation analyses are inconclusive regarding the impact of this variant on the protein function. Computational splicing tools suggest that this variant may not impact RNA splicing. To our knowledge, functional assays have not been performed for this variant nor has this variant been reported in individuals affected with cardiovascular disorders in the literature. This variant has been identified in 2/249424 chromosomes in the general population by the Genome Aggregation Database (gnomAD). Available evidence is insufficient to determine the role of this variant in disease conclusively.

Genomic Research Center, Shahid Beheshti University of Medical Sciences
Classification: Uncertain significance for Familial hypertrophic cardiomyopathy 6. Last evaluated: 2019-01-01. Review status: criteria provided, single submitter. Criteria: ACMG Guidelines, 2015. Collection method: clinical testing. Allele origin: unknown. Affected: yes. Observed: 1 variant allele.

Juno Genomics, Hangzhou Juno Genomics, Inc
Classification: Uncertain significance for Hypertrophic cardiomyopathy 6; Lethal congenital glycogen storage disease of heart; Wolff-Parkinson-White pattern. Review status: criteria provided, single submitter. Criteria: ACMG Guidelines, 2015. Collection method: clinical testing. Allele origin: germline. Affected: yes.
Comment: Absent from controls (or at extremely low frequency if recessive) in Genome Aggregation Database, Exome Sequencing Project, 1000 Genomes Project, or Exome Aggregation Consortium.;Patient's phenotype or family history is highly specific for a disease with a single genetic etiology.